The following is an entry in ClinVar:

ClinVar aggregate classification (germline): Benign/Likely benign. Review status: criteria provided, multiple submitters, no conflicts (2 of 4 stars). 8 submissions from 7 submitters: Benign (3); Likely benign (4). 1 of the submissions does not count toward it. Last evaluated 2026-01-31.

Conditions:
VACTERL association, X-linked, with or without hydrocephalus (VACTERLX). Also called: VACTERL Association with Hydrocephalus, X-linked; VACTERL-H, X-LINKED; X-linked VACTERL-H syndrome; VACTERL ASSOCIATION, X-LINKED. Identifiers: Orphanet 3412, MedGen C2931228, MONDO:0010752, OMIM 314390.
FANCB-related disorder. Also called: FANCB-related condition.
Fanconi anemia (FA). Also called: Fanconi's anemia. Identifiers: Orphanet 84, MedGen C0015625, MeSH D005199, MONDO:0019391.
Fanconi anemia complementation group B (FANCB). Also called: FANCB-Related Fanconi Anemia; FANCONI PANCYTOPENIA, TYPE 2. Identifiers: Orphanet 84, MedGen C1845292, MONDO:0010351, OMIM 300514.

Allele frequency attached by ClinVar (database versions not stated): ESP Exome Variant Server 0.00028; gnomAD exomes 0.00029 and 0.00055; ExAC 0.00033; TOPMed 0.00033; gnomAD 0.00036 and 0.00038.
gnomAD v4.1: 637 of 1,209,146 alleles (0.053%); highest among the groups gnomAD compares: Non-Finnish European, 0.068%; no homozygotes.

Submissions (8):

Labcorp Genetics (formerly Invitae), Labcorp
Classification: Benign for Fanconi anemia. Last evaluated: 2026-01-31. Review status: criteria provided, single submitter. Criteria: Invitae Variant Classification Sherloc (09022015). Collection method: clinical testing. Allele origin: germline.

Blueprint Genetics
Classification: Likely benign. Last evaluated: 2024-10-17. Review status: criteria provided, single submitter. Criteria: ACMG Guidelines, 2015. Collection method: clinical testing. Allele origin: germline.

CeGaT Center for Human Genetics Tuebingen
Classification: Likely benign. Last evaluated: 2024-01-01. Review status: criteria provided, single submitter. Criteria: CeGaT Center For Human Genetics Tuebingen Variant Classification Criteria Version 2. Collection method: clinical testing. Allele origin: germline. Affected: yes. Observed: 4 variant alleles.
Comment: FANCB: BP4, BS2

Sema4
Classification: Likely benign for Fanconi anemia. Last evaluated: 2021-11-08. Review status: criteria provided, single submitter. Criteria: Sema4 Curation Guidelines. Collection method: curation. Allele origin: germline.

Illumina Laboratory Services, Illumina
Classification: Benign for Fanconi anemia complementation group B. Last evaluated: 2018-01-13. Review status: criteria provided, single submitter. Criteria: ICSL Variant Classification Criteria 13 December 2019. Collection method: clinical testing. Allele origin: germline.
Comment: This variant was observed in the ICSL laboratory as part of a predisposition screen in an ostensibly healthy population. It had not been previously curated by ICSL or reported in the Human Gene Mutation Database (HGMD: prior to June 1st, 2018), and was therefore a candidate for classification through an automated scoring system. Utilizing variant allele frequency, disease prevalence and penetrance estimates, and inheritance mode, an automated score was calculated to assess if this variant is too frequent to cause the disease. Based on the score and internal cut-off values, a variant classified as benign is not then subjected to further curation. The score for this variant resulted in a classification of benign for this disease.

Illumina Laboratory Services, Illumina
Classification: Benign for VACTERL association with hydrocephaly, X-linked. Last evaluated: 2018-01-13. Review status: criteria provided, single submitter. Criteria: ICSL Variant Classification Criteria 13 December 2019. Collection method: clinical testing. Allele origin: germline.
Comment: the same text as in the submission from Illumina Laboratory Services, Illumina above.

Genetic Services Laboratory, University of Chicago
Classification: Likely benign. Last evaluated: 2017-04-06. Review status: criteria provided, single submitter. Criteria: ACMG Guidelines, 2015. Collection method: clinical testing. Allele origin: germline. Affected: no.

PreventionGenetics, part of Exact Sciences
Classification: Likely benign for FANCB-related condition. Last evaluated: 2021-12-28. Review status: no assertion criteria provided. Collection method: clinical testing. Allele origin: germline. Not counted in ClinVar's aggregate classification.
Comment: This variant is classified as likely benign based on ACMG/AMP sequence variant interpretation guidelines (Richards et al. 2015 PMID: 25741868, with internal and published modifications).

Literature cited by the submitters: PubMed 32546565 (cited by Sema4).

NM_001018113.3(FANCB):c.2452A>G (p.Arg818Gly)

Gene: FANCB (FA complementation group B; minus strand). Cytogenetic location: Xp22.2.
Variant type: single nucleotide variant.
Coding change: c.2452A>G on transcript NM_001018113.3 (MANE Select); coding-DNA position 2452, A replaced by G.
Protein change: p.Arg818Gly; replaces arginine 818 with glycine.
Molecular consequence: missense variant.
Genome position (GRCh38, 1-based): chrX:14,843,695, T>C on the plus strand (A>G on the coding strand, the complement: FANCB is on the minus strand). VCF-style: chrX-14843695-T-C. GRCh37 (hg19) VCF-style: chrX-14861817-T-C.
Other names: c.2452A>G (NM_001018113.2); c.2452A>G, p.Arg818Gly (NM_001324162.2, NM_152633.4); short protein forms R818G.
Identifiers: ClinVar variation 246615 (VCV000246615.45), dbSNP rs143131218, ClinGen allele CA10352912.
Genomic context (GRCh38, chrX:14,843,695, plus strand): 5'-TTTCTCTGTAAAGGGCACCACTCACTTTTAGGTTCGTTTGCAACATTTTCTTCTTTTCTC[T>C]CTGAAGTTCTTTTCTGTAGGGATGGATATTTTCCCTTCTGTCTGATAAAGCAGCCGCGAC-3'
Protein context (NP_001018123.1, residues 808-828): NIHPYRKELQ[Arg818Gly]EKKKMLQTNL